The following is an entry in ClinVar:

ClinVar aggregate classification (germline): Conflicting classifications of pathogenicity. Review status: criteria provided, conflicting classifications (1 of 4 stars). 5 submissions from 4 submitters: Uncertain significance (1); Benign (1); Likely benign (2). 1 of the submissions does not count toward it. Last evaluated 2025-12-16.

Conditions:
APOB-related disorder. Also called: APOB-related condition; APOB-related disorders.
Cardiovascular phenotype. Identifiers: MedGen CN230736.
Familial hypobetalipoproteinemia 1. Also called: APOB-Related Familial Hypobetalipoproteinemia; Hypobetalipoproteinemia, normotriglyceridemic; Acanthocytosis with hypobetalipoproteinemia. Identifiers: MedGen C4551990, MONDO:0014252, OMIM 615558.
Hypercholesterolemia, autosomal dominant, type B (FHCL2). Also called: Hyperlipoproteinemia Type IIb; APOLIPOPROTEIN B-100, FAMILIAL DEFECTIVE; APOLIPOPROTEIN B-100, FAMILIAL LIGAND-DEFECTIVE; HYPERCHOLESTEROLEMIA, FAMILIAL, DUE TO LIGAND-DEFECTIVE APOLIPOPROTEIN B; APOB-Related Familial Hypercholesterolemia, Autosomal Dominant; Familial Hypercholesterolemia Type B. Identifiers: MedGen C1704417, MONDO:0007751, OMIM 144010.

Allele frequency attached by ClinVar (database versions not stated): TOPMed 0.00006; ExAC 0.00010; 1000 Genomes Project 30x 0.00031; 1000 Genomes Project 0.00040.
gnomAD v4.1: 48 of 1,611,300 alleles (0.003%); highest among the groups gnomAD compares: East Asian, 0.074%; no homozygotes.

Submissions (5):

Labcorp Genetics (formerly Invitae), Labcorp
Classification: Likely benign for Familial hypobetalipoproteinemia 1; Hypercholesterolemia, autosomal dominant, type B. Last evaluated: 2025-12-16. Review status: criteria provided, single submitter. Criteria: Invitae Variant Classification Sherloc (09022015). Collection method: clinical testing. Allele origin: germline.

Ambry Genetics
Classification: Likely benign for Cardiovascular phenotype. Last evaluated: 2022-09-26. Review status: criteria provided, single submitter. Criteria: Ambry Variant Classification Scheme 2023. Collection method: clinical testing. Allele origin: germline.

Illumina Laboratory Services, Illumina
Classification: Uncertain significance for Familial hypobetalipoproteinemia 1. Last evaluated: 2017-04-27. Review status: criteria provided, single submitter. Criteria: ICSL Variant Classification Criteria 13 December 2019. Collection method: clinical testing. Allele origin: germline.

Illumina Laboratory Services, Illumina
Classification: Benign for Hypercholesterolemia, autosomal dominant, type B. Last evaluated: 2017-04-27. Review status: criteria provided, single submitter. Criteria: ICSL Variant Classification Criteria 13 December 2019. Collection method: clinical testing. Allele origin: germline.
Comment: This variant was observed as part of a predisposition screen in an ostensibly healthy population. A literature search was performed for the gene, cDNA change, and amino acid change (where applicable). Publications were found based on this search. The evidence from the literature, in combination with allele frequency data from public databases where available, was sufficient to rule this variant out of causing disease. Therefore, this variant is classified as benign.

PreventionGenetics, part of Exact Sciences
Classification: Likely benign for APOB-related condition. Last evaluated: 2019-08-08. Review status: no assertion criteria provided. Collection method: clinical testing. Allele origin: germline. Not counted in ClinVar's aggregate classification.
Comment: This variant is classified as likely benign based on ACMG/AMP sequence variant interpretation guidelines (Richards et al. 2015 PMID: 25741868, with internal and published modifications).

Literature cited by the submitters: PubMed 20167924 (cited by Illumina Laboratory Services, Illumina).

NM_000384.3(APOB):c.3201G>A (p.Pro1067=)

Gene: APOB (apolipoprotein B; minus strand). Cytogenetic location: 2p24.1.
Variant type: single nucleotide variant.
Coding change: c.3201G>A on transcript NM_000384.3 (MANE Select); coding-DNA position 3201, G replaced by A.
Protein change: p.Pro1067=; no amino-acid change (proline 1067 retained).
Molecular consequence: synonymous variant.
Genome position (GRCh38, 1-based): chr2:21,016,570, C>T on the plus strand (G>A on the coding strand, the complement: APOB is on the minus strand). VCF-style: chr2-21016570-C-T. GRCh37 (hg19) VCF-style: chr2-21239442-C-T.
Identifiers: ClinVar variation 895984 (VCV000895984.21), dbSNP rs200281277, ClinGen allele CA058264.
Genomic context (GRCh38, chr2:21,016,570, plus strand): 5'-TTTGCCCTCAGTAGATTCATCATTAACTCTGAGGATTGTTCCGAGGTCAACATCAAAATC[C>T]GGAATTTGGACTTCACTGGACAAGGTCATACTCTGCCGATTATATTTGAATGTCATGGTA-3'
Protein context (NP_000375.3, residues 1057-1077): SMTLSSEVQI[Pro1067=]DFDVDLGTIL